The following is an entry in ClinVar:

NM_002439.5(MSH3):c.3000+3A>C

Gene: MSH3 (mutS homolog 3; plus strand). Cytogenetic location: 5q14.1.
Variant type: single nucleotide variant.
Coding change: c.3000+3A>C on transcript NM_002439.5 (MANE Select); 3 bases into the intron after coding-DNA position 3000, A replaced by C.
Molecular consequence: intron variant.
Genome position (GRCh38, 1-based): chr5:80,854,319, A>C. VCF-style: chr5-80854319-A-C. GRCh37 (hg19) VCF-style: chr5-80150138-A-C.
Identifiers: ClinVar variation 3398678 (VCV003398678.1).

ClinVar aggregate classification (germline): Uncertain significance (1 of 4 stars; one submission).

Conditions:
Hereditary cancer-predisposing syndrome. Also called: Hereditary Cancer Syndrome; Tumor predisposition; Hereditary neoplastic syndrome; Neoplastic Syndromes, Hereditary. Identifiers: Orphanet 140162, MedGen C0027672, MeSH D009386, MONDO:0015356.

gnomAD v4.1: 1 of 1,611,814 alleles (0.000062%); highest among the groups gnomAD compares: African/African-American, 0.0013%; no homozygotes.

Submission:

Ambry Genetics
Classification: Uncertain significance for Hereditary cancer-predisposing syndrome. Last evaluated: 2024-06-28. Review status: criteria provided, single submitter. Criteria: Ambry Variant Classification Scheme 2023. Collection method: clinical testing. Allele origin: germline.
Comment: The c.3000+3A>C intronic variant results from an A to C substitution 3 nucleotides after coding exon 21 in the MSH3 gene. This nucleotide position is not well conserved in available vertebrate species. In silico splice site analysis predicts that this alteration will weaken the native splice donor site and will result in the creation or strengthening of a novel splice donor site. Based on the available evidence, the clinical significance of this variant remains unclear.